The following is an entry in ClinVar:

ClinVar aggregate classification (germline): Uncertain significance. Review status: criteria provided, multiple submitters, no conflicts (2 of 4 stars). 2 submissions from 2 submitters: Uncertain significance (2). Last evaluated 2025-02-19.

gnomAD v4.1: 5 of 1,529,280 alleles (0.00033%); highest among the groups gnomAD compares: South Asian, 0.0049%; no homozygotes.

Submissions (2):

Revvity Omics, Revvity
Classification: Uncertain significance. Last evaluated: 2025-02-19. Review status: criteria provided, single submitter. Criteria: ACMG Guidelines, 2015. Collection method: clinical testing. Allele origin: germline.

Labcorp Genetics (formerly Invitae), Labcorp
Classification: Uncertain significance. Last evaluated: 2023-10-17. Review status: criteria provided, single submitter. Criteria: Invitae Variant Classification Sherloc (09022015). Collection method: clinical testing. Allele origin: germline.
Comment: This sequence change replaces alanine, which is neutral and non-polar, with glycine, which is neutral and non-polar, at codon 5 of the SLC25A4 protein (p.Ala5Gly). This variant is present in population databases (no rsID available, gnomAD 0.005%). This variant has not been reported in the literature in individuals affected with SLC25A4-related conditions. An algorithm developed to predict the effect of missense changes on protein structure and function (PolyPhen-2) suggests that this variant is likely to be tolerated. In summary, the available evidence is currently insufficient to determine the role of this variant in disease. Therefore, it has been classified as a Variant of Uncertain Significance.

NM_001151.4(SLC25A4):c.14C>G (p.Ala5Gly)

Gene: SLC25A4 (solute carrier family 25 member 4; plus strand). Cytogenetic location: 4q35.1.
Variant type: single nucleotide variant.
Coding change: c.14C>G on transcript NM_001151.4 (MANE Select); coding-DNA position 14, C replaced by G.
Protein change: p.Ala5Gly; replaces alanine 5 with glycine.
Molecular consequence: missense variant.
Genome position (GRCh38, 1-based): chr4:185,143,386, C>G. VCF-style: chr4-185143386-C-G. GRCh37 (hg19) VCF-style: chr4-186064540-C-G.
Other names: short protein forms A5G.
Identifiers: ClinVar variation 2985464 (VCV002985464.4), dbSNP rs1258385849, ClinGen allele CA358895675.